The following is an entry in ClinVar:

ClinVar aggregate classification (germline): Uncertain significance (1 of 4 stars; one submission).

Conditions:
Inborn genetic diseases. Identifiers: MedGen C0950123, MeSH D030342.

Submission:

Ambry Genetics
Classification: Uncertain significance for Inborn genetic diseases. Last evaluated: 2018-07-19. Review status: criteria provided, single submitter. Criteria: Ambry Variant Classification Scheme 2023. Collection method: clinical testing. Allele origin: germline.
Comment: The p.G389A variant (also known as c.1166G>C), located in coding exon 12 of the KIF1A gene, results from a G to C substitution at nucleotide position 1166. The glycine at codon 389 is replaced by alanine, an amino acid with similar properties. This amino acid position is highly conserved in available vertebrate species. In addition, this alteration is predicted to be tolerated by in silico analysis. Since supporting evidence is limited at this time, the clinical significance of this alteration remains unclear.

NM_001244008.2(KIF1A):c.1166G>C (p.Gly389Ala)

Gene: KIF1A (kinesin family member 1A; minus strand). Cytogenetic location: 2q37.3.
Variant type: single nucleotide variant.
Coding change: c.1166G>C on transcript NM_001244008.2 (MANE Select); coding-DNA position 1166, G replaced by C.
Protein change: p.Gly389Ala; replaces glycine 389 with alanine.
Molecular consequence: missense variant.
Genome position (GRCh38, 1-based): chr2:240,773,128, C>G on the plus strand (G>C on the coding strand, the complement: KIF1A is on the minus strand). VCF-style: chr2-240773128-C-G. GRCh37 (hg19) VCF-style: chr2-241712545-C-G.
Other names: c.1166G>C, p.Gly389Ala (NM_001320705.2, NM_001330289.2, NM_001330290.2 and 21 more transcripts); short protein forms G389A.
Identifiers: ClinVar variation 1738315 (VCV001738315.2), dbSNP rs895721749, ClinGen allele CA351294924.